The following is an entry in ClinVar:

NM_001039591.3(USP9X):c.1897G>A (p.Asp633Asn)

Gene: USP9X (ubiquitin specific peptidase 9 X-linked; plus strand). Cytogenetic location: Xp11.4.
Variant type: single nucleotide variant.
Coding change: c.1897G>A on transcript NM_001039591.3 (MANE Select); coding-DNA position 1897, G replaced by A.
Protein change: p.Asp633Asn; replaces aspartic acid 633 with asparagine.
Molecular consequence: missense variant.
Genome position (GRCh38, 1-based): chrX:41,153,081, G>A. VCF-style: chrX-41153081-G-A. GRCh37 (hg19) VCF-style: chrX-41012334-G-A.
Other names: c.1897G>A, p.Asp633Asn (NM_001039590.3); short protein forms D633N.
Identifiers: ClinVar variation 1326161 (VCV001326161.2), dbSNP rs2147080898, ClinGen allele CA412776895.
Genomic context (GRCh38, chrX:41,153,081, plus strand): 5'-GTTACTTTGGTAGCAGAAAACCTTGCAACTTACATGGAAAGCATGAGACTATATGCTAGA[G>A]GTATGTATTGTAAGCTAAAATAAACTATGGGAAATAGCAGGGACCTTTTTTTGCATTAAT-3'
Protein context (NP_001034680.2, residues 623-643): YMESMRLYAR[Asp633Asn]HEDYDPQTVR

ClinVar aggregate classification (germline): Uncertain significance (1 of 4 stars; one submission).

Submission:

GeneDx
Classification: Uncertain significance. Last evaluated: 2021-05-21. Review status: criteria provided, single submitter. Criteria: GeneDx Variant Classification Process June 2021. Collection method: clinical testing. Allele origin: germline. Affected: yes.
Comment: Not observed in large population cohorts (Lek et al., 2016); In-silico analysis, which includes splice predictors and evolutionary conservation, is inconclusive as to whether the variant alters gene splicing. In the absence of RNA/functional studies, the actual effect of this sequence change is unknown.; In silico analysis supports that this missense variant does not alter protein structure/function; Has not been previously published as pathogenic or benign to our knowledge